The following is an entry in ClinVar:

ClinVar aggregate classification (germline): Pathogenic (1 of 4 stars; one submission).

Conditions:
Saldino-Mainzer syndrome (SRTD9). Also called: Renal dysplasia, retinal pigmentary dystrophy, cerebellar ataxia and skeletal dysplasia; CONORENAL SYNDROME; SHORT-RIB THORACIC DYSPLASIA 9 WITHOUT POLYDACTYLY; short-rib thoracic dysplasia 9 with or without polydactyly. Identifiers: Orphanet 140969, MedGen C1849437, MONDO:0009964, OMIM 266920.

Allele frequency attached by ClinVar (database versions not stated): gnomAD exomes below 0.00001.
gnomAD v4.1: 1 of 1,593,448 alleles (0.000063%); highest among the groups gnomAD compares: East Asian, 0.0023%; no homozygotes.

Submission:

Labcorp Genetics (formerly Invitae), Labcorp
Classification: Pathogenic for Saldino-Mainzer syndrome. Last evaluated: 2025-04-16. Review status: criteria provided, single submitter. Criteria: Invitae Variant Classification Sherloc (09022015). Collection method: clinical testing. Allele origin: germline.
Comment: This sequence change creates a premature translational stop signal (p.Gln1214*) in the IFT140 gene. It is expected to result in an absent or disrupted protein product. Loss-of-function variants in IFT140 are known to be pathogenic (PMID: 22503633, 23418020, 24009529, 26216056). This variant is not present in population databases (gnomAD no frequency). This variant has not been reported in the literature in individuals affected with IFT140-related conditions. ClinVar contains an entry for this variant (Variation ID: 1455247). For these reasons, this variant has been classified as Pathogenic.

Literature cited by the submitters: PubMed 22503633; PubMed 23418020; PubMed 24009529; PubMed 26216056.

NM_014714.4(IFT140):c.3640C>T (p.Gln1214Ter)

Gene: IFT140 (intraflagellar transport 140; minus strand). Cytogenetic location: 16p13.3.
Variant type: single nucleotide variant.
Coding change: c.3640C>T on transcript NM_014714.4 (MANE Select); coding-DNA position 3640, C replaced by T.
Protein change: p.Gln1214Ter; replaces glutamine 1214 with a stop codon.
Molecular consequence: nonsense.
Genome position (GRCh38, 1-based): chr16:1,520,622, G>A on the plus strand (C>T on the coding strand, the complement: IFT140 is on the minus strand). VCF-style: chr16-1520622-G-A. GRCh37 (hg19) VCF-style: chr16-1570623-G-A.
Other names: short protein forms Q1214*.
Identifiers: ClinVar variation 1455247 (VCV001455247.6), dbSNP rs2141147087, ClinGen allele CA394224729.